The following is an entry in ClinVar:

ClinVar aggregate classification (germline): Uncertain significance (1 of 4 stars; one submission).

Conditions:
Hereditary cancer-predisposing syndrome. Also called: Neoplastic Syndromes, Hereditary; Tumor predisposition; Hereditary Cancer Syndrome; Hereditary neoplastic syndrome. Identifiers: Orphanet 140162, MedGen C0027672, MeSH D009386, MONDO:0015356.

Submission:

Ambry Genetics
Classification: Uncertain significance for Hereditary cancer-predisposing syndrome. Last evaluated: 2024-10-05. Review status: criteria provided, single submitter. Criteria: Ambry Variant Classification Scheme 2023. Collection method: clinical testing. Allele origin: germline.
Comment: The p.D402A variant (also known as c.1205A>C), located in coding exon 9 of the POLD1 gene, results from an A to C substitution at nucleotide position 1205. The aspartic acid at codon 402 is replaced by alanine, an amino acid with dissimilar properties. This amino acid position is highly conserved in available vertebrate species. In addition, this alteration is predicted to be deleterious by in silico analysis. Based on the available evidence, the clinical significance of this variant remains unclear.

NM_002691.4(POLD1):c.1205A>C (p.Asp402Ala)

Gene: POLD1 (DNA polymerase delta 1, catalytic subunit; plus strand). Cytogenetic location: 19q13.33.
Variant type: single nucleotide variant.
Coding change: c.1205A>C on transcript NM_002691.4 (MANE Select); coding-DNA position 1205, A replaced by C.
Protein change: p.Asp402Ala; replaces aspartic acid 402 with alanine.
Molecular consequence: missense variant. On other transcripts: non-coding transcript variant (1).
Genome position (GRCh38, 1-based): chr19:50,403,560, A>C. VCF-style: chr19-50403560-A-C. GRCh37 (hg19) VCF-style: chr19-50906817-A-C.
Other names: c.1205A>C, p.Asp402Ala (NM_001256849.1, NM_001308632.1); short protein forms D402A.
Identifiers: ClinVar variation 3421988 (VCV003421988.1).
Genomic context (GRCh38, chr19:50,403,560, plus strand): 5'-CCACCTTCATCCGTATCATGGACCCCGACGTGATCACCGGTTACAACATCCAGAACTTCG[A>C]CCTTCCGTACCTCATCTCTCGGGCCCAGACCCTCAAGGTGAGGGCTGGGCAGGTGGGAGG-3'
Protein context (NP_002682.2, residues 392-412): VITGYNIQNF[Asp402Ala]LPYLISRAQT